The following is an entry in ClinVar:

ClinVar aggregate classification (germline): Uncertain significance (1 of 4 stars; one submission).

Conditions:
Dilated cardiomyopathy 1DD (CMD1DD). Identifiers: Orphanet 154, MedGen C2750995, MONDO:0013168, OMIM 613172.

gnomAD v4.1: 2 of 1,448,964 alleles (0.00014%); highest among the groups gnomAD compares: Non-Finnish European, 0.00018%; no homozygotes.

Submission:

Labcorp Genetics (formerly Invitae), Labcorp
Classification: Uncertain significance for Dilated cardiomyopathy 1DD. Last evaluated: 2024-02-24. Review status: criteria provided, single submitter. Criteria: Invitae Variant Classification Sherloc (09022015). Collection method: clinical testing. Allele origin: germline.
Comment: This sequence change replaces glutamic acid, which is acidic and polar, with lysine, which is basic and polar, at codon 850 of the RBM20 protein (p.Glu850Lys). This variant is not present in population databases (gnomAD no frequency). This variant has not been reported in the literature in individuals affected with RBM20-related conditions. An algorithm developed to predict the effect of missense changes on protein structure and function (PolyPhen-2) suggests that this variant is likely to be disruptive. In summary, the available evidence is currently insufficient to determine the role of this variant in disease. Therefore, it has been classified as a Variant of Uncertain Significance.

NM_001134363.3(RBM20):c.2548G>A (p.Glu850Lys)

Gene: RBM20 (RNA binding motif protein 20; plus strand). Cytogenetic location: 10q25.2.
Variant type: single nucleotide variant.
Coding change: c.2548G>A on transcript NM_001134363.3 (MANE Select); coding-DNA position 2548, G replaced by A.
Protein change: p.Glu850Lys; replaces glutamic acid 850 with lysine.
Molecular consequence: missense variant.
Genome position (GRCh38, 1-based): chr10:110,812,945, G>A. VCF-style: chr10-110812945-G-A. GRCh37 (hg19) VCF-style: chr10-112572703-G-A.
Other names: short protein forms E850K.
Identifiers: ClinVar variation 3612203 (VCV003612203.2).
Genomic context (GRCh38, chr10:110,812,945, plus strand): 5'-AGAACTGATAGAGACCAAGAAGGAGCTGATGATAGAAAAGAAAACACAATGGCAGAGAAT[G>A]AGGTAATGATCAATTTCTTCCCCAGGTAAGGCGAGGCAGGCCCTGAAGGAGAATAATCAT-3'
Protein context (NP_001127835.2, residues 840-860): DRKENTMAEN[Glu850Lys]AGKEEQEGME